The following is an entry in ClinVar:

NM_000260.4(MYO7A):c.6557T>C (p.Leu2186Pro)

Gene: MYO7A (myosin VIIA; plus strand). Cytogenetic location: 11q13.5.
Variant type: single nucleotide variant.
Coding change: c.6557T>C on transcript NM_000260.4 (MANE Select); coding-DNA position 6557, T replaced by C.
Protein change: p.Leu2186Pro; replaces leucine 2186 with proline.
Molecular consequence: missense variant.
Genome position (GRCh38, 1-based): chr11:77,213,978, T>C. VCF-style: chr11-77213978-T-C. GRCh37 (hg19) VCF-style: chr11-76925023-T-C.
Other names: c.6437T>C, p.Leu2146Pro (NM_001127180.2); c.6410T>C, p.Leu2137Pro (NM_001369365.1); short protein forms L2186P, L2137P, L2146P.
Identifiers: ClinVar variation 226434 (VCV000226434.3), dbSNP rs876657417, ClinGen allele CA10576352.
Genomic context (GRCh38, chr11:77,213,978, plus strand): 5'-ACTTCCACATCACCATTGGGAACTTGGTGCGCGGGAGCAAACTGCTCTGCGAGACGTCAC[T>C]GGTGAGGGCGCATCCTGCTGGGCCTAGTGGGCTCCCTGCCTTGCCTGCAGCGTAGCCAGC-3'
Protein context (NP_000251.3, residues 2176-2196): RGSKLLCETS[Leu2186Pro]GYKMDDLLTS

ClinVar aggregate classification (germline): Uncertain significance. Review status: criteria provided, single submitter (1 of 4 stars). 2 submissions from 2 submitters: Uncertain significance (1). 1 of the submissions does not count toward it. Last evaluated 2025-10-10.

Conditions:
Usher syndrome type 1 (USH1). Also called: RETINITIS PIGMENTOSA AND CONGENITAL DEAFNESS. Identifiers: Orphanet 231169, Orphanet 886, MedGen C1568247, MONDO:0010168, OMIM 276900.

Allele frequency attached by ClinVar (database versions not stated): gnomAD exomes below 0.00001.
gnomAD v4.1: 1 of 1,614,026 alleles (0.000062%); highest among the groups gnomAD compares: Non-Finnish European, 0.000085%; no homozygotes.

Submissions (2):

Labcorp Genetics (formerly Invitae), Labcorp
Classification: Uncertain significance. Last evaluated: 2025-10-10. Review status: criteria provided, single submitter. Criteria: Invitae Variant Classification Sherloc (09022015). Collection method: clinical testing. Allele origin: germline.
Comment: This sequence change replaces leucine, which is neutral and non-polar, with proline, which is neutral and non-polar, at codon 2186 of the MYO7A protein (p.Leu2186Pro). This variant is not present in population databases (gnomAD no frequency). This missense change has been observed in individual(s) with MYO7A-related conditions (PMID: 16400615, 21569298, 26654877, 31479088; internal data). ClinVar contains an entry for this variant (Variation ID: 226434). An algorithm developed to predict the effect of missense changes on protein structure and function (PolyPhen-2) suggests that this variant is likely to be disruptive. In summary, the available evidence is currently insufficient to determine the role of this variant in disease. Therefore, it has been classified as a Variant of Uncertain Significance.

GeneReviews
No classification provided. Condition: Usher syndrome type 1. Review status: no classification provided. Collection method: literature only. Allele origin: germline. Affected: yes. Not counted in ClinVar's aggregate classification.

Literature cited by the submitters: PubMed 16400615 (cited by Labcorp Genetics (formerly Invitae), Labcorp); PubMed 21569298 (cited by Labcorp Genetics (formerly Invitae), Labcorp and GeneReviews); PubMed 26654877 (cited by Labcorp Genetics (formerly Invitae), Labcorp); PubMed 31479088 (cited by Labcorp Genetics (formerly Invitae), Labcorp); NCBI Bookshelf NBK1265 (cited by GeneReviews).